The following is an entry in ClinVar:

ClinVar aggregate classification (germline): Likely benign (1 of 4 stars; one submission).

Conditions:
KIDINS220-related disorder. Also called: KIDINS220-related condition.

gnomAD v4.1: 87 of 1,286,314 alleles (0.0068%); highest among the groups gnomAD compares: Non-Finnish European, 0.0084%; no homozygotes.

Submission:

PreventionGenetics, part of Exact Sciences
Classification: Likely benign for KIDINS220-related condition. Last evaluated: 2026-09-25. Review status: criteria provided, single submitter. Criteria: ACMG Guidelines, 2015. Collection method: clinical testing. Allele origin: germline.
Comment: This variant is classified as likely benign based on ACMG/AMP sequence variant interpretation guidelines (Richards et al. 2015 PMID: 25741868, with internal and published modifications).

NC_000002.12:g.8726883A>C

Gene: KIDINS220 (kinase D interacting substrate 220; minus strand). Cytogenetic location: 2p25.1.
Variant type: single nucleotide variant.
Molecular consequence: intron variant (on NM_001348741.2).
Genome position: GRCh38 VCF-style: chr2-8726883-A-C. GRCh37 (hg19) VCF-style: chr2-8867013-A-C.
Other names: c.*6+4T>G (NM_001348741.2, NM_001348738.2, NM_001348739.2 and 3 more transcripts).
Identifiers: ClinVar variation 4986667 (VCV004986667.1).